The following is an entry in ClinVar:

NM_024334.3(TMEM43):c.103G>T (p.Gly35Trp)

Gene: TMEM43 (transmembrane protein 43; plus strand). Cytogenetic location: 3p25.1.
Variant type: single nucleotide variant.
Coding change: c.103G>T on transcript NM_024334.3 (MANE Select); coding-DNA position 103, G replaced by T.
Protein change: p.Gly35Trp; replaces glycine 35 with tryptophan.
Molecular consequence: missense variant. On other transcripts: intron variant (1).
Genome position (GRCh38, 1-based): chr3:14,129,502, G>T. VCF-style: chr3-14129502-G-T. GRCh37 (hg19) VCF-style: chr3-14171002-G-T.
Other names: c.103G>T, p.Gly35Trp (NM_001407274.1, NM_001407275.1, NM_001407276.1 and 3 more transcripts); c.13-1320G>T (NM_001407280.1); short protein forms G35W.
Identifiers: ClinVar variation 3712223 (VCV003712223.2).

ClinVar aggregate classification (germline): Uncertain significance (1 of 4 stars; one submission).

Conditions:
Arrhythmogenic right ventricular dysplasia 5. Also called: Arrhythmogenic Right Ventricular Dysplasia/Cardiomyopathy 5; ARRHYTHMOGENIC RIGHT VENTRICULAR DYSPLASIA, FAMILIAL, 5. Identifiers: MedGen C1858379, MONDO:0011459, OMIM 604400.

gnomAD v4.1: 1 of 1,614,110 alleles (0.000062%); no homozygotes.

Submission:

Labcorp Genetics (formerly Invitae), Labcorp
Classification: Uncertain significance for Arrhythmogenic right ventricular dysplasia 5. Last evaluated: 2024-09-11. Review status: criteria provided, single submitter. Criteria: Invitae Variant Classification Sherloc (09022015). Collection method: clinical testing. Allele origin: germline.
Comment: This sequence change replaces glycine, which is neutral and non-polar, with tryptophan, which is neutral and slightly polar, at codon 35 of the TMEM43 protein (p.Gly35Trp). This variant is present in population databases (no rsID available, gnomAD no frequency). This variant has not been reported in the literature in individuals affected with TMEM43-related conditions. Invitae Evidence Modeling of protein sequence and biophysical properties (such as structural, functional, and spatial information, amino acid conservation, physicochemical variation, residue mobility, and thermodynamic stability) indicates that this missense variant is expected to disrupt TMEM43 protein function with a positive predictive value of 80%. In summary, the available evidence is currently insufficient to determine the role of this variant in disease. Therefore, it has been classified as a Variant of Uncertain Significance.